The following is an entry in ClinVar:

NM_199355.4(ADAMTS18):c.1771C>A (p.Gln591Lys)

Gene: ADAMTS18 (ADAM metallopeptidase with thrombospondin type 1 motif 18; minus strand). Cytogenetic location: 16q23.1.
Variant type: single nucleotide variant.
Coding change: c.1771C>A on transcript NM_199355.4 (MANE Select); coding-DNA position 1771, C replaced by A.
Protein change: p.Gln591Lys; replaces glutamine 591 with lysine.
Molecular consequence: missense variant.
Genome position (GRCh38, 1-based): chr16:77,335,844, G>T on the plus strand (C>A on the coding strand, the complement: ADAMTS18 is on the minus strand). VCF-style: chr16-77335844-G-T. GRCh37 (hg19) VCF-style: chr16-77369741-G-T.
Other names: c.1255C>A, p.Gln419Lys (NM_001326358.2); short protein forms Q419K, Q591K.
Identifiers: ClinVar variation 2114131 (VCV002114131.4), dbSNP rs2543682658, ClinGen allele CA396832195.

ClinVar aggregate classification (germline): Uncertain significance (1 of 4 stars; one submission).

Submission:

Labcorp Genetics (formerly Invitae), Labcorp
Classification: Uncertain significance. Last evaluated: 2022-03-19. Review status: criteria provided, single submitter. Criteria: Invitae Variant Classification Sherloc (09022015). Collection method: clinical testing. Allele origin: germline.
Comment: This variant has not been reported in the literature in individuals affected with ADAMTS18-related conditions. This sequence change replaces glutamine, which is neutral and polar, with lysine, which is basic and polar, at codon 591 of the ADAMTS18 protein (p.Gln591Lys). This variant is not present in population databases (gnomAD no frequency). Algorithms developed to predict the effect of missense changes on protein structure and function are either unavailable or do not agree on the potential impact of this missense change (SIFT: "Not Available"; PolyPhen-2: "Benign"; Align-GVGD: "Not Available"). In summary, the available evidence is currently insufficient to determine the role of this variant in disease. Therefore, it has been classified as a Variant of Uncertain Significance.